The following is an entry in ClinVar:

NM_005633.4(SOS1):c.3192T>G (p.Ser1064Arg)

Gene: SOS1 (SOS Ras/Rac guanine nucleotide exchange factor 1; minus strand). Cytogenetic location: 2p22.1.
Variant type: single nucleotide variant.
Coding change: c.3192T>G on transcript NM_005633.4 (MANE Select); coding-DNA position 3192, T replaced by G.
Protein change: p.Ser1064Arg; replaces serine 1064 with arginine.
Molecular consequence: missense variant.
Genome position (GRCh38, 1-based): chr2:38,995,277, A>C on the plus strand (T>G on the coding strand, the complement: SOS1 is on the minus strand). VCF-style: chr2-38995277-A-C. GRCh37 (hg19) VCF-style: chr2-39222418-A-C.
Other names: c.3171T>G, p.Ser1057Arg (NM_001382394.1); c.3192T>G, p.Ser1064Arg (NM_001382395.1); short protein forms S1057R, S1064R.
Identifiers: ClinVar variation 5030012 (VCV005030012.1).

ClinVar aggregate classification (germline): Uncertain significance (1 of 4 stars; one submission).

Conditions:
Cardiovascular phenotype. Identifiers: MedGen CN230736.

Submission:

Ambry Genetics
Classification: Uncertain significance for Cardiovascular phenotype. Last evaluated: 2026-07-13. Review status: criteria provided, single submitter. Criteria: Ambry Variant Classification Scheme 2023. Collection method: clinical testing. Allele origin: germline.
Comment: The p.S1064R variant (also known as c.3192T>G), located in coding exon 20 of the SOS1 gene, results from a T to G substitution at nucleotide position 3192. The serine at codon 1064 is replaced by arginine, an amino acid with dissimilar properties. This amino acid position is conserved. In addition, the in silico prediction for this alteration is inconclusive. Based on the available evidence, the clinical significance of this variant remains unclear.